The following is an entry in ClinVar:

NM_004961.4(GABRE):c.296T>C (p.Val99Ala)

Gene: GABRE (gamma-aminobutyric acid type A receptor subunit epsilon; minus strand). Cytogenetic location: Xq28.
Variant type: single nucleotide variant.
Coding change: c.296T>C on transcript NM_004961.4 (MANE Select); coding-DNA position 296, T replaced by C.
Protein change: p.Val99Ala; replaces valine 99 with alanine.
Molecular consequence: missense variant.
Genome position (GRCh38, 1-based): chrX:151,969,715, A>G on the plus strand (T>C on the coding strand, the complement: GABRE is on the minus strand). VCF-style: chrX-151969715-A-G. GRCh37 (hg19) VCF-style: chrX-151138187-A-G.
Other names: short protein forms V99A.
Identifiers: ClinVar variation 4085344 (VCV004085344.8).

ClinVar aggregate classification (germline): Uncertain significance (1 of 4 stars; one submission).

gnomAD v4.1: 2 of 1,209,909 alleles (0.00017%); highest among the groups gnomAD compares: Admixed American, 0.0044%; no homozygotes.

Submission:

CeGaT Center for Human Genetics Tuebingen
Classification: Uncertain significance. Last evaluated: 2025-07-01. Review status: criteria provided, single submitter. Criteria: CeGaT Center For Human Genetics Tuebingen Variant Classification Criteria Version 2. Collection method: clinical testing. Allele origin: germline. Affected: yes. Observed: 1 variant allele.
Comment: GABRE: PM2:Supporting